The following is an entry in ClinVar:

ClinVar aggregate classification (germline): Conflicting classifications of pathogenicity. Review status: criteria provided, conflicting classifications (1 of 4 stars). 6 submissions from 6 submitters: Uncertain significance (5); Likely benign (1). Last evaluated 2026-06-22.

Conditions:
Inborn genetic diseases. Identifiers: MedGen C0950123, MeSH D030342.
Autosomal dominant nonsyndromic hearing loss 4A. Also called: Deafness, autosomal dominant 4A. Identifiers: Orphanet 90635, MedGen C1833503, MONDO:0010915, OMIM 600652.

Allele frequency attached by ClinVar (database versions not stated): TOPMed 0.00003; gnomAD 0.00002; ExAC 0.00006; gnomAD exomes 0.00006.
gnomAD v4.1: 141 of 1,546,942 alleles (0.0091%); highest among the groups gnomAD compares: Middle Eastern, 0.044%; no homozygotes.

Submissions (7):

Women's Health and Genetics/Laboratory Corporation of America, LabCorp
Classification: Likely benign. Last evaluated: 2026-06-22. Review status: criteria provided, single submitter. Criteria: LabCorp Variant Classification Summary - May 2015. Collection method: clinical testing. Allele origin: germline.
Comment: Variant summary: MYH14 c.4136C>T (p.Ala1379Val) results in a non-conservative amino acid change located in the Myosin tail domain (IPR002928) of the encoded protein sequence. Four of five in-silico tools predict a benign effect of the variant on protein function. The variant allele was found at a frequency of 9e-05 in 1541506 control chromosomes, predominantly at a frequency of 0.00011 within the Non-Finnish European subpopulation in the gnomAD database. The observed variant frequency within Non-Finnish European control individuals in the gnomAD database exceeds the estimated maximal expected allele frequency for disease-causing variants in MYH14. To our knowledge, no occurrence of c.4136C>T in individuals affected with MYH14-related conditions and no experimental evidence demonstrating its impact on protein function have been reported. ClinVar contains an entry for this variant (Variation ID: 164191). Based on the evidence outlined above, the variant was classified as likely benign.

Ambry Genetics
Classification: Uncertain significance for Inborn genetic diseases. Last evaluated: 2025-10-28. Review status: criteria provided, single submitter. Criteria: Ambry Variant Classification Scheme 2023. Collection method: clinical testing. Allele origin: germline.

GeneDx
Classification: Uncertain significance. Last evaluated: 2025-07-11. Review status: criteria provided, single submitter. Criteria: GeneDx Variant Classification Process June 2021. Collection method: clinical testing. Allele origin: germline. Affected: yes.
Comment: In silico analysis suggests that this missense variant does not alter protein structure/function; Has not been previously published as pathogenic or benign to our knowledge

Labcorp Genetics (formerly Invitae), Labcorp
Classification: Uncertain significance. Last evaluated: 2024-11-22. Review status: criteria provided, single submitter. Criteria: Invitae Variant Classification Sherloc (09022015). Collection method: clinical testing. Allele origin: germline.
Comment: This sequence change replaces alanine, which is neutral and non-polar, with valine, which is neutral and non-polar, at codon 1379 of the MYH14 protein (p.Ala1379Val). This variant is present in population databases (rs727503225, gnomAD 0.02%). This variant has not been reported in the literature in individuals affected with MYH14-related conditions. ClinVar contains an entry for this variant (Variation ID: 164191). Invitae Evidence Modeling of protein sequence and biophysical properties (such as structural, functional, and spatial information, amino acid conservation, physicochemical variation, residue mobility, and thermodynamic stability) indicates that this missense variant is not expected to disrupt MYH14 protein function with a negative predictive value of 80%. In summary, the available evidence is currently insufficient to determine the role of this variant in disease. Therefore, it has been classified as a Variant of Uncertain Significance.

Illumina Laboratory Services, Illumina
Classification: Uncertain significance for Autosomal dominant nonsyndromic hearing loss 4A. Last evaluated: 2018-01-13. Review status: criteria provided, single submitter. Criteria: ICSL Variant Classification Criteria 13 December 2019. Collection method: clinical testing. Allele origin: germline.

Laboratory for Molecular Medicine, Mass General Brigham Personalized Medicine
Classification: Uncertain significance. Last evaluated: 2013-11-26. Review status: criteria provided, single submitter. Criteria: LMM Criteria. Collection method: clinical testing. Allele origin: germline. Observed: 1 variant allele.
Comment: Variant classified as Uncertain Significance - Favor Benign. The Ala1420Val vari ant in MYH14 has not been previously reported in individuals with hearing loss a nd data from large population studies is insufficient to determine its frequency . The amino acid residue at this position is not well conserved with several spe cies, including mammals, having this variant (Val) at this position. Computatio nal analyses (biochemical amino acid properties, conservation, AlignGVGD, PolyPh en2, and SIFT) do not suggest an impact to the protein, though this information is not predictive enough to rule out pathogenicity. In summary, the clinical sig nificance of this variant cannot be determined with certainty; however, based up on the arguments described above, we would lean towards a more likely benign rol e.

Dr. Peter K. Rogan Lab, Western University
No classification provided (evidence only). Condition: Hepatocellular carcinoma. Review status: no classification provided. Collection method: in vitro. Allele origin: not applicable. Functional consequence: retained intron. Not counted in ClinVar's aggregate classification.

NM_001145809.2(MYH14):c.4259C>T (p.Ala1420Val)

Gene: MYH14 (myosin heavy chain 14; plus strand). Cytogenetic location: 19q13.33.
Variant type: single nucleotide variant.
Coding change: c.4259C>T on transcript NM_001145809.2 (MANE Select); coding-DNA position 4259, C replaced by T.
Protein change: p.Ala1420Val; replaces alanine 1420 with valine.
Molecular consequence: missense variant.
Genome position (GRCh38, 1-based): chr19:50,280,352, C>T. VCF-style: chr19-50280352-C-T. GRCh37 (hg19) VCF-style: chr19-50783609-C-T.
Other names: c.4160C>T, p.Ala1387Val (NM_001077186.2); c.4136C>T, p.Ala1379Val (NM_024729.4); short protein forms A1420V, A1379V, A1387V.
Identifiers: ClinVar variation 164191 (VCV000164191.19), dbSNP rs727503225, ClinGen allele CA176906.
Genomic context (GRCh38, chr19:50,280,352, plus strand): 5'-AGGCTGAGGCAGCCGGGCTGCGTGAGCAGCTGGAGGAGGAGGCAGCTGCCAGGGAACGGG[C>T]GGGCCGTGAACTGCAGACTGCCCAGGCCCAGGTGAGCAGCCCTACGTAAGACCTTCAGGG-3'
Protein context (NP_001139281.1, residues 1410-1430): LEEEAAARER[Ala1420Val]GRELQTAQAQ